The following is an entry in ClinVar:

ClinVar aggregate classification (germline): Uncertain significance. Review status: criteria provided, multiple submitters, no conflicts (2 of 4 stars). 2 submissions from 2 submitters: Uncertain significance (2). Last evaluated 2025-12-16.

Conditions:
Cardiovascular phenotype. Identifiers: MedGen CN230736.

Allele frequency attached by ClinVar (database versions not stated): TOPMed 0.00001.
gnomAD v4.1: 4 of 1,614,040 alleles (0.00025%); highest among the groups gnomAD compares: Non-Finnish European, 0.000085%; no homozygotes.

Submissions (2):

Ambry Genetics
Classification: Uncertain significance for Cardiovascular phenotype. Last evaluated: 2025-12-16. Review status: criteria provided, single submitter. Criteria: Ambry Variant Classification Scheme 2023. Collection method: clinical testing. Allele origin: germline.
Comment: The p.T89N variant (also known as c.266C>A), located in coding exon 2 of the TBX20 gene, results from a C to A substitution at nucleotide position 266. The threonine at codon 89 is replaced by asparagine, an amino acid with similar properties. This amino acid position is conserved. In addition, this alteration is predicted to be tolerated by in silico analysis. Based on the available evidence, the clinical significance of this variant remains unclear.

Labcorp Genetics (formerly Invitae), Labcorp
Classification: Uncertain significance. Last evaluated: 2024-07-19. Review status: criteria provided, single submitter. Criteria: Invitae Variant Classification Sherloc (09022015). Collection method: clinical testing. Allele origin: germline.
Comment: This sequence change replaces threonine, which is neutral and polar, with asparagine, which is neutral and polar, at codon 89 of the TBX20 protein (p.Thr89Asn). This variant is not present in population databases (gnomAD no frequency). This variant has not been reported in the literature in individuals affected with TBX20-related conditions. Advanced modeling of protein sequence and biophysical properties (such as structural, functional, and spatial information, amino acid conservation, physicochemical variation, residue mobility, and thermodynamic stability) performed at Invitae indicates that this missense variant is not expected to disrupt TBX20 protein function with a negative predictive value of 80%. In summary, the available evidence is currently insufficient to determine the role of this variant in disease. Therefore, it has been classified as a Variant of Uncertain Significance.

NM_001077653.2(TBX20):c.266C>A (p.Thr89Asn)

Gene: TBX20 (T-box transcription factor 20; minus strand). Cytogenetic location: 7p14.2.
Variant type: single nucleotide variant.
Coding change: c.266C>A on transcript NM_001077653.2 (MANE Select); coding-DNA position 266, C replaced by A.
Protein change: p.Thr89Asn; replaces threonine 89 with asparagine.
Molecular consequence: missense variant.
Genome position (GRCh38, 1-based): chr7:35,250,065, G>T on the plus strand (C>A on the coding strand, the complement: TBX20 is on the minus strand). VCF-style: chr7-35250065-G-T. GRCh37 (hg19) VCF-style: chr7-35289677-G-T.
Other names: c.266C>A, p.Thr89Asn (NM_001166220.1); short protein forms T89N.
Identifiers: ClinVar variation 2912457 (VCV002912457.4), dbSNP rs1417603653, ClinGen allele CA367265140.